The following is an entry in ClinVar:

ClinVar aggregate classification (germline): Uncertain significance (1 of 4 stars; one submission).

Submission:

GeneDx
Classification: Uncertain significance. Last evaluated: 2026-10-08. Review status: criteria provided, single submitter. Criteria: GeneDx Variant Classification Process June 2021. Collection method: clinical testing. Allele origin: germline.
Comment: Not observed at significant frequency in large population cohorts (gnomAD); In silico analysis supports that this missense variant has a deleterious effect on protein structure/function; Has not been previously published as pathogenic or benign to our knowledge

NM_000718.4(CACNA1B):c.2872C>T (p.His958Tyr)

Gene: CACNA1B (calcium voltage-gated channel subunit alpha1 B; plus strand). Cytogenetic location: 9q34.3.
Variant type: single nucleotide variant.
Coding change: c.2872C>T on transcript NM_000718.4 (MANE Select); coding-DNA position 2872, C replaced by T.
Protein change: p.His958Tyr; replaces histidine 958 with tyrosine.
Molecular consequence: missense variant.
Genome position (GRCh38, 1-based): chr9:138,023,615, C>T. VCF-style: chr9-138023615-C-T. GRCh37 (hg19) VCF-style: chr9-140918067-C-T.
Other names: c.2872C>T, p.His958Tyr (NM_001243812.2); short protein forms H958Y.
Identifiers: ClinVar variation 3367636 (VCV003367636.2).